The following is an entry in ClinVar:

NM_003850.3(SUCLA2):c.689C>T (p.Pro230Leu)

Gene: SUCLA2 (succinate-CoA ligase ADP-forming subunit beta; minus strand). Cytogenetic location: 13q14.2.
Variant type: single nucleotide variant.
Coding change: c.689C>T on transcript NM_003850.3 (MANE Select); coding-DNA position 689, C replaced by T.
Protein change: p.Pro230Leu; replaces proline 230 with leucine.
Molecular consequence: missense variant.
Genome position (GRCh38, 1-based): chr13:47,968,708, G>A on the plus strand (C>T on the coding strand, the complement: SUCLA2 is on the minus strand). VCF-style: chr13-47968708-G-A. GRCh37 (hg19) VCF-style: chr13-48542843-G-A.
Other names: c.689C>T (NM_003850.2); short protein forms P230L.
Identifiers: ClinVar variation 1952659 (VCV001952659.3), dbSNP rs376418361, ClinGen allele CA6977933.
Genomic context (GRCh38, chr13:47,968,708, plus strand): 5'-TATTTCAGAAAAAGGCTGTAAAGCTTGACCATGTTTTCTGCTGCTGATTCCACAATATTA[G>A]GTGGAAATCCCATCTTCTGTGCAAGCTGAAATCAATATGTCTTTTTATTATAGGTAGTTT-3'
Protein context (NP_003841.1, residues 220-240): LQLAQKMGFP[Pro230Leu]NIVESAAENM

ClinVar aggregate classification (germline): Uncertain significance. Review status: criteria provided, multiple submitters, no conflicts (2 of 4 stars). 2 submissions from 2 submitters: Uncertain significance (2). Last evaluated 2024-11-13.

Conditions:
Mitochondrial DNA depletion syndrome, encephalomyopathic form with methylmalonic aciduria (MTDPS5). Also called: MITOCHONDRIAL DNA DEPLETION SYNDROME, ENCEPHALOMYOPATHIC FORM, WITH OR WITHOUT METHYLMALONIC ACIDURIA, AUTOSOMAL RECESSIVE, SUCLA2-RELATED; Mitochondrial DNA depletion syndrome 5 (encephalomyopathic with or without methylmalonic aciduria); Mitochondrial encephalomyopathy aminoacidopathy; SUCLA2-Related Mitochondrial DNA Depletion Syndrome, Encephalomyopathic Form with Methylmalonic Aciduria. Identifiers: Orphanet 1933, MedGen C5980207, MONDO:0012791, OMIM 612073.

Allele frequency attached by ClinVar (database versions not stated): TOPMed below 0.00001; ExAC 0.00001; gnomAD 0.00001; gnomAD exomes 0.00001; ESP Exome Variant Server 0.00008.
gnomAD v4.1: 23 of 1,612,104 alleles (0.0014%); highest among the groups gnomAD compares: Non-Finnish European, 0.0018%; no homozygotes.

Submissions (2):

GeneDx
Classification: Uncertain significance. Last evaluated: 2024-11-13. Review status: criteria provided, single submitter. Criteria: GeneDx Variant Classification Process June 2021. Collection method: clinical testing. Allele origin: germline. Affected: yes.
Comment: Not observed at significant frequency in large population cohorts (gnomAD); In silico analysis supports that this missense variant has a deleterious effect on protein structure/function; Has not been previously published as pathogenic or benign to our knowledge

Labcorp Genetics (formerly Invitae), Labcorp
Classification: Uncertain significance for Mitochondrial DNA depletion syndrome, encephalomyopathic form with methylmalonic aciduria. Last evaluated: 2022-07-29. Review status: criteria provided, single submitter. Criteria: Invitae Variant Classification Sherloc (09022015). Collection method: clinical testing. Allele origin: germline.
Comment: This sequence change replaces proline, which is neutral and non-polar, with leucine, which is neutral and non-polar, at codon 230 of the SUCLA2 protein (p.Pro230Leu). This variant is present in population databases (rs376418361, gnomAD 0.003%). This variant has not been reported in the literature in individuals affected with SUCLA2-related conditions. Algorithms developed to predict the effect of missense changes on protein structure and function (SIFT, PolyPhen-2, Align-GVGD) all suggest that this variant is likely to be tolerated. In summary, the available evidence is currently insufficient to determine the role of this variant in disease. Therefore, it has been classified as a Variant of Uncertain Significance.